The following is an entry in ClinVar:

NM_133497.4(KCNV2):c.535C>T (p.Arg179Cys)

Gene: KCNV2 (potassium voltage-gated channel modifier subfamily V member 2; plus strand). Cytogenetic location: 9p24.2.
Variant type: single nucleotide variant.
Coding change: c.535C>T on transcript NM_133497.4 (MANE Select); coding-DNA position 535, C replaced by T.
Protein change: p.Arg179Cys; replaces arginine 179 with cysteine.
Molecular consequence: missense variant.
Genome position (GRCh38, 1-based): chr9:2,718,274, C>T. VCF-style: chr9-2718274-C-T. GRCh37 (hg19) VCF-style: chr9-2718274-C-T.
Other names: short protein forms R179C.
Identifiers: ClinVar variation 1034485 (VCV001034485.9), dbSNP rs200662596, ClinGen allele CA187971905.

ClinVar aggregate classification (germline): Uncertain significance (1 of 4 stars; one submission).

Allele frequency attached by ClinVar (database versions not stated): gnomAD 0.00001 and 0.00002; TOPMed 0.00001; 1000 Genomes Project 30x 0.00016; 1000 Genomes Project 0.00020.

Submission:

Labcorp Genetics (formerly Invitae), Labcorp
Classification: Uncertain significance. Last evaluated: 2020-06-23. Review status: criteria provided, single submitter. Criteria: Invitae Variant Classification Sherloc (09022015). Collection method: clinical testing. Allele origin: germline.
Comment: In summary, the available evidence is currently insufficient to determine the role of this variant in disease. Therefore, it has been classified as a Variant of Uncertain Significance. Algorithms developed to predict the effect of missense changes on protein structure and function (SIFT, PolyPhen-2, Align-GVGD) all suggest that this variant is likely to be disruptive, but these predictions have not been confirmed by published functional studies and their clinical significance is uncertain. This variant has not been reported in the literature in individuals with KCNV2-related conditions. This variant is not present in population databases (ExAC no frequency). This sequence change replaces arginine with cysteine at codon 179 of the KCNV2 protein (p.Arg179Cys). The arginine residue is highly conserved and there is a large physicochemical difference between arginine and cysteine.